The following is an entry in ClinVar:

ClinVar aggregate classification (germline): Likely benign. Review status: criteria provided, multiple submitters, no conflicts (2 of 4 stars). 2 submissions from 2 submitters: Likely benign (2). Last evaluated 2018-01-13.

Conditions:
Congenital nephrotic syndrome. Also called: Familial nephrotic syndrome. Identifiers: MedGen C3501848, MeSH C535761, MONDO:0002350, HP:0008677.

Allele frequency attached by ClinVar (database versions not stated): gnomAD exomes 0.08871; gnomAD 0.07071; 1000 Genomes Project 0.05312; 1000 Genomes Project 30x 0.05403; TOPMed 0.06727.
gnomAD v4.1: 11,182 of 152,568 alleles (7.3%); highest among the groups gnomAD compares: Middle Eastern, 15%; 536 homozygotes.

Submissions (2):

Illumina Laboratory Services, Illumina
Classification: Likely benign for Congenital nephrotic syndrome. Last evaluated: 2018-01-13. Review status: criteria provided, single submitter. Criteria: ICSL Variant Classification Criteria 13 December 2019. Collection method: clinical testing. Allele origin: germline.
Comment: This variant was observed in the ICSL laboratory as part of a predisposition screen in an ostensibly healthy population. It had not been previously curated by ICSL or reported in the Human Gene Mutation Database (HGMD: prior to June 1st, 2018), and was therefore a candidate for classification through an automated scoring system. Utilizing variant allele frequency, disease prevalence and penetrance estimates, and inheritance mode, an automated score was calculated to assess if this variant is too frequent to cause the disease. Based on the score and internal cut-off values, a variant classified as likely benign is not then subjected to further curation. The score for this variant resulted in a classification of likely benign for this disease.

Breakthrough Genomics
Classification: Likely benign. Review status: criteria provided, single submitter. Criteria: ACMG Guidelines, 2015. Collection method: not provided. Allele origin: germline. Inheritance: Autosomal recessive inheritance. Affected: yes.

NM_004646.4(NPHS1):c.*538G>A

Gene: NPHS1 (NPHS1 adhesion molecule, nephrin; minus strand). Cytogenetic location: 19q13.12.
Variant type: single nucleotide variant.
Coding change: c.*538G>A on transcript NM_004646.4 (MANE Select); 538 bases downstream of the stop codon, G replaced by A.
Molecular consequence: 3 prime UTR variant.
Genome position (GRCh38, 1-based): chr19:35,825,976, C>T on the plus strand (G>A on the coding strand, the complement: NPHS1 is on the minus strand). VCF-style: chr19-35825976-C-T. GRCh37 (hg19) VCF-style: chr19-36316878-C-T.
Identifiers: ClinVar variation 328848 (VCV000328848.6), dbSNP rs71354105, ClinGen allele CA10652370.